The following is an entry in ClinVar:

ClinVar aggregate classification (germline): Benign/Likely benign. Review status: criteria provided, multiple submitters, no conflicts (2 of 4 stars). 2 submissions from 2 submitters: Benign (1); Likely benign (1). Last evaluated 2024-11-25.

Conditions:
Autoimmune lymphoproliferative syndrome type 1. Also called: AUTOIMMUNE LYMPHOPROLIFERATIVE SYNDROME, TYPE I, AUTOSOMAL DOMINANT. Identifiers: Orphanet 3261, MedGen C2717884, MONDO:0011158, OMIM 601859.

Allele frequency attached by ClinVar (database versions not stated): TOPMed 0.00012; ESP Exome Variant Server 0.00015; gnomAD exomes 0.00015 and 0.00030; gnomAD 0.00016; ExAC 0.00028.
gnomAD v4.1: 257 of 1,613,874 alleles (0.016%); highest among the groups gnomAD compares: Non-Finnish European, 0.0065%; no homozygotes.

Submissions (2):

Blueprint Genetics
Classification: Likely benign. Last evaluated: 2024-11-25. Review status: criteria provided, single submitter. Criteria: ACMG Guidelines, 2015. Collection method: clinical testing. Allele origin: germline.

Illumina Laboratory Services, Illumina
Classification: Benign for Autoimmune lymphoproliferative syndrome type 1. Last evaluated: 2018-01-13. Review status: criteria provided, single submitter. Criteria: ICSL Variant Classification Criteria 13 December 2019. Collection method: clinical testing. Allele origin: germline.
Comment: This variant was observed in the ICSL laboratory as part of a predisposition screen in an ostensibly healthy population. It had not been previously curated by ICSL or reported in the Human Gene Mutation Database (HGMD: prior to June 1st, 2018), and was therefore a candidate for classification through an automated scoring system. Utilizing variant allele frequency, disease prevalence and penetrance estimates, and inheritance mode, an automated score was calculated to assess if this variant is too frequent to cause the disease. Based on the score and internal cut-off values, a variant classified as benign is not then subjected to further curation. The score for this variant resulted in a classification of benign for this disease.

NM_000639.3(FASLG):c.*3G>T

Gene: FASLG (Fas ligand; plus strand). Cytogenetic location: 1q24.3.
Variant type: single nucleotide variant.
Coding change: c.*3G>T on transcript NM_000639.3 (MANE Select); 3 bases downstream of the stop codon, G replaced by T.
Molecular consequence: 3 prime UTR variant.
Genome position (GRCh38, 1-based): chr1:172,666,019, G>T. VCF-style: chr1-172666019-G-T. GRCh37 (hg19) VCF-style: chr1-172635159-G-T.
Other names: c.*419G>T (NM_001302746.2).
Identifiers: ClinVar variation 875186 (VCV000875186.5), dbSNP rs200021473, ClinGen allele CA1247629.